The following is an entry in ClinVar:

NM_000540.3(RYR1):c.2362G>T (p.Val788Leu)

Gene: RYR1 (ryanodine receptor 1; plus strand). Cytogenetic location: 19q13.2.
Variant type: single nucleotide variant.
Coding change: c.2362G>T on transcript NM_000540.3 (MANE Select); coding-DNA position 2362, G replaced by T.
Protein change: p.Val788Leu; replaces valine 788 with leucine.
Molecular consequence: missense variant.
Genome position (GRCh38, 1-based): chr19:38,460,376, G>T. VCF-style: chr19-38460376-G-T. GRCh37 (hg19) VCF-style: chr19-38951016-G-T.
Other names: c.2362G>T, p.Val788Leu (NM_001042723.2); short protein forms V788L.
Identifiers: ClinVar variation 838674 (VCV000838674.13), dbSNP rs1967661422, ClinGen allele CA405628453.
Genomic context (GRCh38, chr19:38,460,376, plus strand): 5'-ACCACAGACTGTCCCCCATAACCTCCCCTCAATGATCCCCATTGTCCTTCCTTACCCAGG[G>T]TGCGGTTCCTCCTTGGTGGCCGCCATGGTGAATTCAAGTTCCTGCCCCCACCTGGCTATG-3'
Protein context (NP_000531.2, residues 778-798): PVVSFSAGVK[Val788Leu]RFLLGGRHGE

ClinVar aggregate classification (germline): Uncertain significance. Review status: criteria provided, multiple submitters, no conflicts (2 of 4 stars). 4 submissions from 4 submitters: Uncertain significance (4). Last evaluated 2024-05-30.

Conditions:
RYR1-related disorder. Also called: RYR1-related disorders; RYR1-related condition. Identifiers: MedGen CN239331.
Malignant hyperthermia, susceptibility to, 1 (MHS1). Also called: Malignant hyperthermia suceptibility 1; RYR1-Related Malignant Hyperthermia Susceptibility; Anesthesia related hyperthermia; Malignant hyperpyrexia; Fulminating hyperpyrexia; Pharmacogenic myopathy. Identifiers: Orphanet 423, MedGen C2930980, MONDO:0007783, OMIM 145600.

Allele frequency attached by ClinVar (database versions not stated): gnomAD exomes 0.00001.
gnomAD v4.1: 18 of 1,613,910 alleles (0.0011%); highest among the groups gnomAD compares: Non-Finnish European, 0.0015%; no homozygotes.

Submissions (4):

All of Us Research Program, National Institutes of Health
Classification: Uncertain significance for Malignant hyperthermia, susceptibility to, 1. Last evaluated: 2024-05-30. Review status: criteria provided, single submitter. Criteria: ACMG Guidelines, 2015. Collection method: clinical testing. Allele origin: germline. Inheritance: Autosomal dominant inheritance. Observed: 2 variant alleles, 2 heterozygotes.
Comment: This missense variant replaces valine with leucine at codon 788 of the RYR1 protein. Computational prediction suggests that this variant may not impact protein structure and function (internally defined REVEL score threshold <= 0.5, PMID: 27666373). To our knowledge, functional studies have not been reported for this variant. This variant has not been reported in individuals affected with RYR1-related disorders in the literature. This variant has not been identified in the general population by the Genome Aggregation Database (gnomAD). The available evidence is insufficient to determine the role of this variant in disease conclusively. Therefore, this variant is classified as a Variant of Uncertain Significance.

This study involves interpretation of variants in research participants for the purpose of population health screening. Participant phenotype was not available at the time of variant classification. Additional details can be found in publication PMID: 35346344, PMCID: PMC8962531

Color Diagnostics, LLC DBA Color Health
Classification: Uncertain significance for Malignant hyperthermia, susceptibility to, 1. Last evaluated: 2024-05-14. Review status: criteria provided, single submitter. Criteria: ACMG Guidelines, 2015. Collection method: clinical testing. Allele origin: germline.
Comment: This missense variant replaces valine with leucine at codon 788 of the RYR1 protein. Computational prediction suggests that this variant may not impact protein structure and function. To our knowledge, functional studies have not been reported for this variant. This variant has not been reported in individuals affected with RYR1-related disorders in the literature. This variant has not been identified in the general population by the Genome Aggregation Database (gnomAD). The available evidence is insufficient to determine the role of this variant in disease conclusively. Therefore, this variant is classified as a Variant of Uncertain Significance.

Revvity Omics, Revvity
Classification: Uncertain significance. Last evaluated: 2021-10-05. Review status: criteria provided, single submitter. Criteria: ACMG Guidelines, 2015. Collection method: clinical testing. Allele origin: germline.

Labcorp Genetics (formerly Invitae), Labcorp
Classification: Uncertain significance for RYR1-related disorder. Last evaluated: 2019-11-21. Review status: criteria provided, single submitter. Criteria: Invitae Variant Classification Sherloc (09022015). Collection method: clinical testing. Allele origin: germline.
Comment: This sequence change replaces valine with leucine at codon 788 of the RYR1 protein (p.Val788Leu). The valine residue is moderately conserved and there is a small physicochemical difference between valine and leucine. In summary, the available evidence is currently insufficient to determine the role of this variant in disease. Therefore, it has been classified as a Variant of Uncertain Significance. Algorithms developed to predict the effect of missense changes on protein structure and function are either unavailable or do not agree on the potential impact of this missense change (SIFT: "Deleterious"; PolyPhen-2: "Benign"; Align-GVGD: "Class C0"). This variant has not been reported in the literature in individuals with RYR1-related conditions. This variant is not present in population databases (ExAC no frequency).